The following is an entry in ClinVar:

NM_020738.4(KIDINS220):c.2855T>A (p.Leu952Ter)

Gene: KIDINS220 (kinase D interacting substrate 220; minus strand). Cytogenetic location: 2p25.1.
Variant type: single nucleotide variant.
Coding change: c.2855T>A on transcript NM_020738.4 (MANE Select); coding-DNA position 2855, T replaced by A.
Protein change: p.Leu952Ter; replaces leucine 952 with a stop codon.
Molecular consequence: nonsense. On other transcripts: non-coding transcript variant (2).
Genome position (GRCh38, 1-based): chr2:8,770,826, A>T on the plus strand (T>A on the coding strand, the complement: KIDINS220 is on the minus strand). VCF-style: chr2-8770826-A-T. GRCh37 (hg19) VCF-style: chr2-8910956-A-T.
Other names: c.2858T>A, p.Leu953Ter (NM_001348729.2, NM_001348731.2, NM_001348734.2 and 3 more transcripts); c.2855T>A, p.Leu952Ter (NM_001348732.2, NM_001348735.2, NM_001348738.2 and 3 more transcripts); c.2729T>A, p.Leu910Ter (NM_001348736.2); short protein forms L910*, L952*, L953*.
Identifiers: ClinVar variation 4882029 (VCV004882029.2).

ClinVar aggregate classification (germline): Likely pathogenic (1 of 4 stars; one submission).

Conditions:
Spastic paraplegia, intellectual disability, nystagmus, and obesity. Also called: Spastic paraplegia, intellectual disability, nystagmus, and obesity;. Identifiers: Orphanet 521390, MedGen C4284592, MONDO:0015007, OMIM 617296.

Submission:

Dasa
Classification: Likely pathogenic for Spastic paraplegia, intellectual disability, nystagmus, and obesity. Last evaluated: 2026-01-16. Review status: criteria provided, single submitter. Criteria: DASA Assertion Criteria. Collection method: clinical testing. Allele origin: germline.
Comment: NM_020738.4(KIDINS220):c.2855T>A (p.Leu952*) is a nonsense variant in KIDINS220 predicted to introduce a premature termination codon and is predicted to result in an absent or altered protein product. Loss of function is an established disease mechanism for KIDINS220-associated disorders. Also, this variant is rare in population databases. Based on the currently available evidence, this variant is classified as likely pathogenic.